The following is an entry in ClinVar:

NM_000465.4(BARD1):c.1786A>C (p.Lys596Gln)

Gene: BARD1 (BRCA1 associated RING domain 1; minus strand). Cytogenetic location: 2q35.
Variant type: single nucleotide variant.
Coding change: c.1786A>C on transcript NM_000465.4 (MANE Select); coding-DNA position 1786, A replaced by C.
Protein change: p.Lys596Gln; replaces lysine 596 with glutamine.
Molecular consequence: missense variant. On other transcripts: non-coding transcript variant (3), intron variant (1).
Genome position (GRCh38, 1-based): chr2:214,745,746, T>G on the plus strand (A>C on the coding strand, the complement: BARD1 is on the minus strand). VCF-style: chr2-214745746-T-G. GRCh37 (hg19) VCF-style: chr2-215610470-T-G.
Other names: c.1729A>C, p.Lys577Gln (NM_001282543.2); c.433A>C, p.Lys145Gln (NM_001282545.2); c.376A>C, p.Lys126Gln (NM_001282548.2); c.365-15238A>C (NM_001282549.2); short protein forms K577Q, K126Q, K145Q, K596Q.
Identifiers: ClinVar variation 2864172 (VCV002864172.3), dbSNP rs2469342252, ClinGen allele CA350452625.
Genomic context (GRCh38, chr2:214,745,746, plus strand): 5'-TTTTCTACCCCACCTCCCAAAATTCAAAATCCTCACCTGTACTGTCAAACTCAGTATATT[T>G]TTTAGCCTTAAGAATTACTGCAAGCTCACTGAGCATTTTCTGTTGTTCTGAAGACAGCCC-3'
Protein context (NP_000456.2, residues 586-606): SELAVILKAK[Lys596Gln]YTEFDSTVTH

ClinVar aggregate classification (germline): Uncertain significance (1 of 4 stars; one submission).

Conditions:
Familial cancer of breast. Also called: hereditary breast carcinoma; Hereditary breast cancer; BREAST CANCER, FAMILIAL. Identifiers: Orphanet 227535, MedGen C0346153, MONDO:0016419, OMIM 114480. Disease mechanism: loss of function.

Submission:

Labcorp Genetics (formerly Invitae), Labcorp
Classification: Uncertain significance for Familial cancer of breast. Last evaluated: 2023-05-15. Review status: criteria provided, single submitter. Criteria: Invitae Variant Classification Sherloc (09022015). Collection method: clinical testing. Allele origin: germline.
Comment: In summary, the available evidence is currently insufficient to determine the role of this variant in disease. Therefore, it has been classified as a Variant of Uncertain Significance. An algorithm developed to predict the effect of missense changes on protein structure and function (PolyPhen-2) suggests that this variant is likely to be tolerated. This variant has not been reported in the literature in individuals affected with BARD1-related conditions. This variant is not present in population databases (gnomAD no frequency). This sequence change replaces lysine, which is basic and polar, with glutamine, which is neutral and polar, at codon 596 of the BARD1 protein (p.Lys596Gln).